The following is an entry in ClinVar:

ClinVar aggregate classification (germline): Pathogenic/Likely pathogenic. Review status: no assertion criteria provided (0 of 4 stars). 2 submissions from 2 submitters: Pathogenic (1); Likely pathogenic (1). Last evaluated 2022-06-01.

Conditions:
Intellectual developmental disorder, autosomal dominant 58. Also called: MENTAL RETARDATION, AUTOSOMAL DOMINANT 58; Intellectual disability, autosomal dominant 58. Identifiers: MedGen C4748195, MONDO:0020847, OMIM 618106.

Submissions (2):

Solve-RD Consortium
Classification: Likely pathogenic for Intellectual developmental disorder, autosomal dominant 58. Last evaluated: 2022-06-01. Review status: no assertion criteria provided. Collection method: provider interpretation. Allele origin: inherited. Affected: yes.
Comment: Variant confirmed as disease-causing by referring clinical team

Variant identified during reanalysis of unsolved cases by the Solve-RD project. The Solve-RD project has received funding from the European Union’s Horizon 2020 research and innovation programme under grant agreement No 779257.

OMIM
Classification: Pathogenic for INTELLECTUAL DEVELOPMENTAL DISORDER, AUTOSOMAL DOMINANT 58. Last evaluated: 2022-04-29. Review status: no assertion criteria provided. Collection method: literature only. Allele origin: germline.

Literature cited by the submitters: PubMed 39825153 (cited by Solve-RD Consortium); PubMed 29688601 (cited by OMIM).

NM_003011.4(SET):c.244T>G (p.Trp82Gly)

Gene: SET (SET nuclear proto-oncogene; plus strand). Cytogenetic location: 9q34.11.
Variant type: single nucleotide variant.
Coding change: c.244T>G on transcript NM_003011.4 (MANE Select); coding-DNA position 244, T replaced by G.
Protein change: p.Trp82Gly; replaces tryptophan 82 with glycine.
Molecular consequence: missense variant.
Genome position (GRCh38, 1-based): chr9:128,691,970, T>G. VCF-style: chr9-128691970-T-G. GRCh37 (hg19) VCF-style: chr9-131454249-T-G.
Other names: c.283T>G, p.Trp95Gly (NM_001122821.2, NM_001374326.1); c.217T>G, p.Trp73Gly (NM_001248000.2); c.211T>G, p.Trp71Gly (NM_001248001.2); short protein forms W95G, W73G, W71G, W82G.
Identifiers: ClinVar variation 560206 (VCV000560206.3), dbSNP rs1554776500, ClinGen allele CA375059453.